The following is an entry in ClinVar:

NM_198576.4(AGRN):c.463+4C>T

Genes: AGRN (agrin; plus strand), LOC126805576 (P300/CBP strongly-dependent group 1 enhancer GRCh37_chr1:956772-957971; plus strand). Cytogenetic location: 1p36.33.
Variant type: single nucleotide variant.
Coding change: c.463+4C>T on transcript NM_198576.4 (MANE Select); 4 bases into the intron after coding-DNA position 463, C replaced by T.
Molecular consequence: intron variant.
Genome position (GRCh38, 1-based): chr1:1,022,466, C>T. VCF-style: chr1-1022466-C-T. GRCh37 (hg19) VCF-style: chr1-957846-C-T.
Other names: c.463+4C>T (NM_001305275.2).
Identifiers: ClinVar variation 952961 (VCV000952961.8), dbSNP rs1644427555, ClinGen allele CA997648707.
Genomic context (GRCh38, chr1:1,022,466, plus strand): 5'-CCAGCCTCATGCGGATCACCCTGCGGAACCTGGAGGAGGTGGAGTTCTGTGTGGAAGGTG[C>T]GTGGTGGGGGGCTCGTGTGGGGGCCTGTGGGGGTCAGGGCAGTGGCCAAGGGGGACAGGT-3'

ClinVar aggregate classification (germline): Uncertain significance (1 of 4 stars; one submission).

Conditions:
Congenital myasthenic syndrome 8. Also called: Myasthenic syndrome, congenital, 8, with pre- and postsynaptic defects; MYASTHENIC SYNDROME, CONGENITAL, DUE TO AGRIN DEFICIENCY. Identifiers: Orphanet 590, MedGen C3808739, MONDO:0014052, OMIM 615120.

Allele frequency attached by ClinVar (database versions not stated): gnomAD exomes below 0.00001; gnomAD 0.00001; TOPMed 0.00001.
gnomAD v4.1: 7 of 1,602,140 alleles (0.00044%); highest among the groups gnomAD compares: South Asian, 0.0022%; no homozygotes.

Submission:

Labcorp Genetics (formerly Invitae), Labcorp
Classification: Uncertain significance for Congenital myasthenic syndrome 8. Last evaluated: 2024-02-17. Review status: criteria provided, single submitter. Criteria: Invitae Variant Classification Sherloc (09022015). Collection method: clinical testing. Allele origin: germline.
Comment: This sequence change falls in intron 2 of the AGRN gene. It does not directly change the encoded amino acid sequence of the AGRN protein. It affects a nucleotide within the consensus splice site. This variant is not present in population databases (gnomAD no frequency). This variant has not been reported in the literature in individuals affected with AGRN-related conditions. ClinVar contains an entry for this variant (Variation ID: 952961). Variants that disrupt the consensus splice site are a relatively common cause of aberrant splicing (PMID: 17576681, 9536098). Algorithms developed to predict the effect of sequence changes on RNA splicing suggest that this variant is not likely to affect RNA splicing. In summary, the available evidence is currently insufficient to determine the role of this variant in disease. Therefore, it has been classified as a Variant of Uncertain Significance.

Literature cited by the submitters: PubMed 17576681; PubMed 9536098.